The following is an entry in ClinVar:

ClinVar aggregate classification (germline): Uncertain significance. Review status: criteria provided, multiple submitters, no conflicts (2 of 4 stars). 7 submissions from 7 submitters: Uncertain significance (7). Last evaluated 2026-01-14.

Conditions:
Hereditary nonpolyposis colorectal neoplasms. Identifiers: MedGen C0009405, MeSH D003123.
Hereditary cancer-predisposing syndrome. Also called: Neoplastic Syndromes, Hereditary; Hereditary Cancer Syndrome; Tumor predisposition; Hereditary neoplastic syndrome. Identifiers: Orphanet 140162, MedGen C0027672, MeSH D009386, MONDO:0015356.
Lynch syndrome. Identifiers: Orphanet 144, MedGen C4552100, MONDO:0005835. Disease mechanism: loss of function.
Lynch syndrome 5 (LYNCH5). Also called: Colorectal cancer, hereditary nonpolyposis, type 5; Hereditary non-polyposis colorectal cancer, type 5. Identifiers: Orphanet 144, MedGen C1833477, MONDO:0013710, OMIM 614350. Disease mechanism: loss of function.

Submissions (7):

Labcorp Genetics (formerly Invitae), Labcorp
Classification: Uncertain significance for Hereditary nonpolyposis colorectal neoplasms. Last evaluated: 2026-01-14. Review status: criteria provided, single submitter. Criteria: Invitae Variant Classification Sherloc (09022015). Collection method: clinical testing. Allele origin: germline.
Comment: This sequence change replaces tryptophan, which is neutral and slightly polar, with cysteine, which is neutral and slightly polar, at codon 50 of the MSH6 protein (p.Trp50Cys). This variant is not present in population databases (gnomAD no frequency). This variant has not been reported in the literature in individuals affected with MSH6-related conditions. ClinVar contains an entry for this variant (Variation ID: 232287). Invitae Evidence Modeling of protein sequence and biophysical properties (such as structural, functional, and spatial information, amino acid conservation, physicochemical variation, residue mobility, and thermodynamic stability) indicates that this missense variant is not expected to disrupt MSH6 protein function with a negative predictive value of 95%. In summary, the available evidence is currently insufficient to determine the role of this variant in disease. Therefore, it has been classified as a Variant of Uncertain Significance.

CeGaT Center for Human Genetics Tuebingen
Classification: Uncertain significance. Last evaluated: 2025-07-01. Review status: criteria provided, single submitter. Criteria: CeGaT Center For Human Genetics Tuebingen Variant Classification Criteria Version 2. Collection method: clinical testing. Allele origin: germline. Affected: yes. Observed: 1 variant allele.
Comment: MSH6: PM2, BP1

Ambry Genetics
Classification: Uncertain significance for Hereditary cancer-predisposing syndrome. Last evaluated: 2024-11-28. Review status: criteria provided, single submitter. Criteria: Ambry Variant Classification Scheme 2023. Collection method: clinical testing. Allele origin: germline.
Comment: The p.W50C variant (also known as c.150G>C), located in coding exon 1 of the MSH6 gene, results from a G to C substitution at nucleotide position 150. The tryptophan at codon 50 is replaced by cysteine, an amino acid with highly dissimilar properties. This amino acid position is not conserved on limited sequence alignment. In addition, this alteration is predicted to be tolerated by in silico analysis. Since supporting evidence is limited at this time, the clinical significance of this alteration remains unclear.

Molecular Pathology, Peter Maccallum Cancer Centre
Classification: Uncertain significance for Lynch syndrome 5. Last evaluated: 2024-08-01. Review status: criteria provided, single submitter. Criteria: ACMG Guidelines, 2015. Collection method: clinical testing. Allele origin: germline. Inheritance: Autosomal dominant inheritance.

All of Us Research Program, National Institutes of Health
Classification: Uncertain significance for Lynch syndrome. Last evaluated: 2023-12-13. Review status: criteria provided, single submitter. Criteria: ACMG Guidelines, 2015. Collection method: clinical testing. Allele origin: germline. Inheritance: Autosomal dominant inheritance. Observed: 2 variant alleles, 2 heterozygotes.
Comment: This missense variant replaces tryptophan with cysteine at codon 50 of the MSH6 protein. Computational prediction suggests that this variant may not impact protein structure and function (internally defined REVEL score threshold <= 0.5, PMID: 27666373). To our knowledge, functional studies have not been reported for this variant. This variant has not been reported in individuals affected with MSH6-related disorders in the literature. This variant has not been identified in the general population by the Genome Aggregation Database (gnomAD). The available evidence is insufficient to determine the role of this variant in disease conclusively. Therefore, this variant is classified as a Variant of Uncertain Significance.

This study involves interpretation of variants in research participants for the purpose of population health screening. Participant phenotype was not available at the time of variant classification. Additional details can be found in publication PMID: 35346344, PMCID: PMC8962531

Color Diagnostics, LLC DBA Color Health
Classification: Uncertain significance for Hereditary cancer-predisposing syndrome. Last evaluated: 2023-11-16. Review status: criteria provided, single submitter. Criteria: ACMG Guidelines, 2015. Collection method: clinical testing. Allele origin: germline.
Comment: This missense variant replaces tryptophan with cysteine at codon 50 of the MSH6 protein. Computational prediction suggests that this variant may not impact protein structure and function (internally defined REVEL score threshold <= 0.5, PMID: 27666373). To our knowledge, functional studies have not been reported for this variant. This variant has not been reported in individuals affected with MSH6-related disorders in the literature. This variant has not been identified in the general population by the Genome Aggregation Database (gnomAD). The available evidence is insufficient to determine the role of this variant in disease conclusively. Therefore, this variant is classified as a Variant of Uncertain Significance.

Sema4
Classification: Uncertain significance for Hereditary cancer-predisposing syndrome. Last evaluated: 2021-12-16. Review status: criteria provided, single submitter. Criteria: Sema4 Curation Guidelines. Collection method: curation. Allele origin: germline.
Comment: To the best of our knowledge, the MSH6 c.150G>C (p.W50C) variant has not been reported in individuals with MSH6-related disease. It was not observed in the large and broad cohorts of the Genome Aggregation Database (PMID: 32461654). The variant has been reported in ClinVar (Variation ID: 232287). In silico tools suggest the impact of the variant on protein function is benign though these predictions have not been confirmed by functional studies. The evidence is insufficient to meet ACMG/AMP criteria for classifying the variant as benign or pathogenic. Thus, the clinical significance of this variant is currently uncertain.

NM_000179.3(MSH6):c.150G>C (p.Trp50Cys)

Gene: MSH6 (mutS homolog 6; plus strand). Cytogenetic location: 2p16.3.
Variant type: single nucleotide variant.
Coding change: c.150G>C on transcript NM_000179.3 (MANE Select); coding-DNA position 150, G replaced by C.
Protein change: p.Trp50Cys; replaces tryptophan 50 with cysteine.
Molecular consequence: missense variant. On other transcripts: 5 prime UTR variant (1).
Genome position (GRCh38, 1-based): chr2:47,783,383, G>C. VCF-style: chr2-47783383-G-C. GRCh37 (hg19) VCF-style: chr2-48010522-G-C.
Other names: c.150G>C, p.Trp50Cys (NM_001281492.2); c.-587G>C (NM_001281493.2); short protein forms W50C.
Identifiers: ClinVar variation 232287 (VCV000232287.32), dbSNP rs876659674, ClinGen allele CA10578025.